The following is an entry in ClinVar:

ClinVar aggregate classification (germline): Likely pathogenic (1 of 4 stars; one submission).

Conditions:
Congenital lactic acidosis, Saguenay-Lac-Saint-Jean type (MC4DN5). Also called: MITOCHONDRIAL COMPLEX IV DEFICIENCY, NUCLEAR TYPE 5; CYTOCHROME c OXIDASE DEFICIENCY, FRENCH CANADIAN TYPE; COX DEFICIENCY, FRENCH CANADIAN TYPE. Identifiers: Orphanet 70472, MedGen C1857355, MONDO:0009069, OMIM 220111.

Submission:

Victorian Clinical Genetics Services, Murdoch Childrens Research Institute
Classification: Likely pathogenic for Congenital lactic acidosis, Saguenay-Lac-Saint-Jean type. Last evaluated: 2024-10-10. Review status: criteria provided, single submitter. Criteria: ACMG Guidelines, 2015. Collection method: clinical testing. Allele origin: germline. Inheritance: Autosomal recessive inheritance. Affected: yes.
Comment: Based on the classification scheme VCGS_Germline_v1.3.5, this variant is classified as Likely pathogenic. Following criteria are met: 0102 - Loss of function is a known mechanism of disease in this gene and is associated with Leigh syndrome, French-Canadian type (MIM#220111). (I) 0106 - This gene is associated with autosomal recessive disease. (I) 0200 - Variant is predicted to result in a missense amino acid change from leucine to proline. (I) 0251 - This variant is heterozygous. (I) 0301 - Variant is absent from gnomAD (v2, v3 and v4). (SP) 0309 - Multiple alternative amino acid changes at the same position have been observed in gnomAD (v4) (highest allele count: 1 heterozygotes, 0 homozygotes). (I) 0502 - Missense variant with conflicting in silico predictions and uninformative conservation. (I) 0604 - Variant is not located in an established domain, motif, hotspot or informative constraint region. (I) 0705 - No comparable missense variants have previous evidence for pathogenicity. (I) 0807 - This variant has no previous evidence of pathogenicity. (I) 0905 - No published segregation evidence has been identified for this variant. (I) 1007 - No published functional evidence has been identified for this variant. (I) 1102 - Strong phenotype match for this individual. (SP) 1201 - Heterozygous variant detected in trans with a second pathogenic heterozygous variant (NC_000002.12:g.43986415_44009956del) in a recessive disease. (I) Legend: (SP) - Supporting pathogenic, (I) - Information, (SB) - Supporting benign

NM_133259.4(LRPPRC):c.2882T>C (p.Leu961Pro)

Gene: LRPPRC (leucine rich pentatricopeptide repeat containing; minus strand). Cytogenetic location: 2p21.
Variant type: single nucleotide variant.
Coding change: c.2882T>C on transcript NM_133259.4 (MANE Select); coding-DNA position 2882, T replaced by C.
Protein change: p.Leu961Pro; replaces leucine 961 with proline.
Molecular consequence: missense variant.
Genome position (GRCh38, 1-based): chr2:43,925,081, A>G on the plus strand (T>C on the coding strand, the complement: LRPPRC is on the minus strand). VCF-style: chr2-43925081-A-G. GRCh37 (hg19) VCF-style: chr2-44152220-A-G.
Other names: short protein forms L961P.
Identifiers: ClinVar variation 2500755 (VCV002500755.3), dbSNP rs2466482718, ClinGen allele CA346669670.